The following is an entry in ClinVar:

NM_017654.4(SAMD9):c.3641T>C (p.Ile1214Thr)

Gene: SAMD9 (sterile alpha motif domain containing 9; minus strand). Cytogenetic location: 7q21.2.
Variant type: single nucleotide variant.
Coding change: c.3641T>C on transcript NM_017654.4 (MANE Select); coding-DNA position 3641, T replaced by C.
Protein change: p.Ile1214Thr; replaces isoleucine 1214 with threonine.
Molecular consequence: missense variant.
Genome position (GRCh38, 1-based): chr7:93,102,457, A>G on the plus strand (T>C on the coding strand, the complement: SAMD9 is on the minus strand). VCF-style: chr7-93102457-A-G. GRCh37 (hg19) VCF-style: chr7-92731770-A-G.
Other names: c.3641T>C, p.Ile1214Thr (NM_001193307.2); short protein forms I1214T.
Identifiers: ClinVar variation 4159095 (VCV004159095.1).

ClinVar aggregate classification (germline): Uncertain significance (1 of 4 stars; one submission).

Conditions:
Inborn genetic diseases. Identifiers: MedGen C0950123, MeSH D030342.

Submission:

Ambry Genetics
Classification: Uncertain significance for Inborn genetic diseases. Last evaluated: 2025-07-24. Review status: criteria provided, single submitter. Criteria: Ambry Variant Classification Scheme 2023. Collection method: clinical testing. Allele origin: germline.
Comment: The p.I1214T variant (also known as c.3641T>C), located in coding exon 1 of the SAMD9 gene, results from a T to C substitution at nucleotide position 3641. The isoleucine at codon 1214 is replaced by threonine, an amino acid with similar properties. This amino acid position is conserved. In addition, this alteration is predicted to be tolerated by in silico analysis. Based on the available evidence, the clinical significance of this variant remains unclear.